The following is an entry in ClinVar:

ClinVar aggregate classification (germline): Uncertain significance (1 of 4 stars; one submission).

Allele frequency attached by ClinVar (database versions not stated): gnomAD exomes below 0.00001; ExAC 0.00001; gnomAD 0.00001; TOPMed 0.00001.
gnomAD v4.1: 3 of 1,613,688 alleles (0.00019%); highest among the groups gnomAD compares: Admixed American, 0.0017%; no homozygotes.

Submission:

Labcorp Genetics (formerly Invitae), Labcorp
Classification: Uncertain significance. Last evaluated: 2022-07-12. Review status: criteria provided, single submitter. Criteria: Invitae Variant Classification Sherloc (09022015). Collection method: clinical testing. Allele origin: germline.
Comment: In summary, the available evidence is currently insufficient to determine the role of this variant in disease. Therefore, it has been classified as a Variant of Uncertain Significance. Algorithms developed to predict the effect of sequence changes on RNA splicing suggest that this variant may disrupt the consensus splice site. Algorithms developed to predict the effect of missense changes on protein structure and function output the following: SIFT: "Tolerated"; PolyPhen-2: "Benign"; Align-GVGD: "Class C0". The lysine amino acid residue is found in multiple mammalian species, which suggests that this missense change does not adversely affect protein function. This variant has not been reported in the literature in individuals affected with C5-related conditions. This variant is present in population databases (rs750465028, gnomAD 0.003%). This sequence change replaces glutamic acid, which is acidic and polar, with lysine, which is basic and polar, at codon 1666 of the C5 protein (p.Glu1666Lys).

NM_001735.3(C5):c.4996G>A (p.Glu1666Lys)

Genes: C5 (complement C5; minus strand), C5-OT1 (C5 3' UTR overlapping transcript 1; minus strand). Cytogenetic location: 9q33.2.
Variant type: single nucleotide variant.
Coding change: c.4996G>A on transcript NM_001735.3 (MANE Select); coding-DNA position 4996, G replaced by A.
Protein change: p.Glu1666Lys; replaces glutamic acid 1666 with lysine.
Molecular consequence: missense variant. On other transcripts: non-coding transcript variant (1).
Genome position (GRCh38, 1-based): chr9:120,952,774, C>T on the plus strand (G>A on the coding strand, the complement: C5 is on the minus strand). VCF-style: chr9-120952774-C-T. GRCh37 (hg19) VCF-style: chr9-123715052-C-T.
Other names: c.5014G>A, p.Glu1672Lys (NM_001317163.2); short protein forms E1666K, E1672K.
Identifiers: ClinVar variation 1917669 (VCV001917669.4), dbSNP rs750465028, ClinGen allele CA5217001.